The following is an entry in ClinVar:

ClinVar aggregate classification (germline): Uncertain significance. Review status: criteria provided, multiple submitters, no conflicts (2 of 4 stars). 2 submissions from 2 submitters: Uncertain significance (2). Last evaluated 2025-10-08.

Conditions:
3-methylglutaconic aciduria, type VIIB (MGCA7B). Also called: CLPB Deficiency; 3-methylglutaconic aciduria, type VII, with cataracts, neurologic involvement and neutropenia; 3-methylglutaconic aciduria with cataracts, neurologic involvement and neutropenia. Identifiers: Orphanet 445038, MedGen C5676893, MONDO:0014561, OMIM 616271.
Inborn genetic diseases. Identifiers: MedGen C0950123, MeSH D030342.

Allele frequency attached by ClinVar (database versions not stated): gnomAD exomes 0.00001; ExAC 0.00002; gnomAD 0.00002; TOPMed 0.00002; ESP Exome Variant Server 0.00008.
gnomAD v4.1: 18 of 1,614,056 alleles (0.0011%); highest among the groups gnomAD compares: South Asian, 0.0022%; no homozygotes.

Submissions (2):

Labcorp Genetics (formerly Invitae), Labcorp
Classification: Uncertain significance for 3-methylglutaconic aciduria, type VIIB. Last evaluated: 2025-10-08. Review status: criteria provided, single submitter. Criteria: Invitae Variant Classification Sherloc (09022015). Collection method: clinical testing. Allele origin: germline.
Comment: This sequence change replaces arginine, which is basic and polar, with cysteine, which is neutral and slightly polar, at codon 518 of the CLPB protein (p.Arg518Cys). This variant is present in population databases (rs369380599, gnomAD 0.003%). This variant has not been reported in the literature in individuals affected with CLPB-related conditions. ClinVar contains an entry for this variant (Variation ID: 659990). An algorithm developed to predict the effect of missense changes on protein structure and function (PolyPhen-2) suggests that this variant is likely to be disruptive. In summary, the available evidence is currently insufficient to determine the role of this variant in disease. Therefore, it has been classified as a Variant of Uncertain Significance.

Ambry Genetics
Classification: Uncertain significance for Inborn genetic diseases. Last evaluated: 2022-11-18. Review status: criteria provided, single submitter. Criteria: Ambry Variant Classification Scheme 2023. Collection method: clinical testing. Allele origin: germline.

NM_001258392.3(CLPB):c.1462C>T (p.Arg488Cys)

Gene: CLPB (ClpB family mitochondrial disaggregase; minus strand). Cytogenetic location: 11q13.4.
Variant type: single nucleotide variant.
Coding change: c.1462C>T on transcript NM_001258392.3 (MANE Select); coding-DNA position 1462, C replaced by T.
Protein change: p.Arg488Cys; replaces arginine 488 with cysteine.
Molecular consequence: missense variant.
Genome position (GRCh38, 1-based): chr11:72,295,516, G>A on the plus strand (C>T on the coding strand, the complement: CLPB is on the minus strand). VCF-style: chr11-72295516-G-A. GRCh37 (hg19) VCF-style: chr11-72006560-G-A.
Other names: c.1375C>T, p.Arg459Cys (NM_001258393.3); c.1417C>T, p.Arg473Cys (NM_001258394.3); c.1552C>T, p.Arg518Cys (NM_030813.6); c.1552C>T (NM_030813.3); short protein forms R459C, R518C, R473C, R488C.
Identifiers: ClinVar variation 659990 (VCV000659990.10), dbSNP rs369380599, ClinGen allele CA6171166.